The following is an entry in ClinVar:

NM_182931.3(KMT2E):c.4985T>G (p.Val1662Gly)

Gene: KMT2E (lysine methyltransferase 2E (inactive); plus strand). Cytogenetic location: 7q22.3.
Variant type: single nucleotide variant.
Coding change: c.4985T>G on transcript NM_182931.3 (MANE Select); coding-DNA position 4985, T replaced by G.
Protein change: p.Val1662Gly; replaces valine 1662 with glycine.
Molecular consequence: missense variant.
Genome position (GRCh38, 1-based): chr7:105,112,741, T>G. VCF-style: chr7-105112741-T-G. GRCh37 (hg19) VCF-style: chr7-104753188-T-G.
Other names: c.4859T>G, p.Val1620Gly (NM_001410908.1); c.4985T>G, p.Val1662Gly (NM_018682.4); short protein forms V1620G, V1662G.
Identifiers: ClinVar variation 3371986 (VCV003371986.1).

ClinVar aggregate classification (germline): Uncertain significance (1 of 4 stars; one submission).

Submission:

GeneDx
Classification: Uncertain significance. Last evaluated: 2024-04-02. Review status: criteria provided, single submitter. Criteria: GeneDx Variant Classification Process June 2021. Collection method: clinical testing. Allele origin: germline. Affected: yes.
Comment: Not observed at significant frequency in large population cohorts (gnomAD); In silico analysis supports that this missense variant does not alter protein structure/function; Has not been previously published as pathogenic or benign to our knowledge